The following is an entry in ClinVar:

NM_001374828.1(ARID1B):c.1409C>T (p.Ala470Val)

Gene: ARID1B (AT-rich interaction domain 1B; plus strand). Cytogenetic location: 6q25.3.
Variant type: single nucleotide variant.
Coding change: c.1409C>T on transcript NM_001374828.1 (MANE Select); coding-DNA position 1409, C replaced by T.
Protein change: p.Ala470Val; replaces alanine 470 with valine.
Molecular consequence: missense variant.
Genome position (GRCh38, 1-based): chr6:156,779,089, C>T. VCF-style: chr6-156779089-C-T. GRCh37 (hg19) VCF-style: chr6-157100223-C-T.
Other names: c.1160C>T, p.Ala387Val (NM_001346813.1, NM_020732.3); c.1409C>T, p.Ala470Val (NM_001371656.1, NM_001374820.1, NM_017519.3); c.986C>T, p.Ala329Val (NM_175863.2); short protein forms A329V, A387V, A470V.
Identifiers: ClinVar variation 2725367 (VCV002725367.3), dbSNP rs1299393714, ClinGen allele CA366384286.

ClinVar aggregate classification (germline): Uncertain significance (1 of 4 stars; one submission).

Allele frequency attached by ClinVar (database versions not stated): TOPMed below 0.00001; gnomAD 0.00001.
gnomAD v4.1: 3 of 1,222,732 alleles (0.00025%); highest among the groups gnomAD compares: African/African-American, 0.0016%; no homozygotes.

Submission:

Labcorp Genetics (formerly Invitae), Labcorp
Classification: Uncertain significance. Last evaluated: 2024-08-29. Review status: criteria provided, single submitter. Criteria: Invitae Variant Classification Sherloc (09022015). Collection method: clinical testing. Allele origin: germline.
Comment: This sequence change replaces alanine, which is neutral and non-polar, with valine, which is neutral and non-polar, at codon 387 of the ARID1B protein (p.Ala387Val). The frequency data for this variant in the population databases is considered unreliable, as metrics indicate insufficient coverage at this position in the gnomAD database. This variant has not been reported in the literature in individuals affected with ARID1B-related conditions. Invitae Evidence Modeling of protein sequence and biophysical properties (such as structural, functional, and spatial information, amino acid conservation, physicochemical variation, residue mobility, and thermodynamic stability) indicates that this missense variant is not expected to disrupt ARID1B protein function with a negative predictive value of 95%. In summary, the available evidence is currently insufficient to determine the role of this variant in disease. Therefore, it has been classified as a Variant of Uncertain Significance.